The following is an entry in ClinVar:

NM_024426.6(WT1):c.575dup (p.Ala193fs)

Genes: WT1 (WT1 transcription factor; minus strand), LOC107982234 (WT1/WT1-AS bi-directional promoter region; plus strand). Cytogenetic location: 11p13.
Variant type: Duplication.
Coding change: c.575dup on transcript NM_024426.6 (MANE Select); coding-DNA position 575, one base duplicated (A; older notation c.575dupA).
Protein change: p.Ala193fs; shifts the reading frame from alanine 193.
Molecular consequence: frameshift variant. On other transcripts: non-coding transcript variant (2).
Genome position (GRCh38, 1-based): chr11:32,434,786, T duplicated on the plus strand (A on the coding strand, the reverse complement: WT1 is on the minus strand). VCF-style (leftmost placement, unchanged base first): chr11-32434785-C-CT. GRCh37 (hg19) VCF-style: chr11-32456331-C-CT.
Other names: c.575dup, p.Ala193fs (NM_000378.6, NM_001407044.1, NM_001407045.1 and 6 more transcripts); c.356dup, p.Ala120fs (NM_001429031.1, NM_001429032.1, NM_001429033.1 and 1 more transcripts); short protein forms A120fs, A193fs.
Identifiers: ClinVar variation 4879430 (VCV004879430.1).

ClinVar aggregate classification (germline): Likely pathogenic (1 of 4 stars; one submission).

Conditions:
Drash syndrome (DDS). Also called: NEPHROPATHY, WILMS TUMOR, AND GENITAL ANOMALIES; WILMS TUMOR AND PSEUDO- OR TRUE HERMAPHRODITISM. Identifiers: Orphanet 220, MedGen C0950121, MONDO:0008682, OMIM 194080.

Submission:

Institute of Human Genetics, University of Leipzig Medical Center
Classification: Likely pathogenic for Drash syndrome. Last evaluated: 2026-06-01. Review status: criteria provided, single submitter. Criteria: ACMG Guidelines, 2015. Collection method: clinical testing. Allele origin: unknown. Inheritance: Autosomal dominant inheritance. Affected: yes.
Comment: Criteria applied: PVS1,PM2_SUP